The following is an entry in ClinVar:

NM_001081550.2(THOC2):c.1414_1416dup (p.Asp472_Lys473insAsp)

Gene: THOC2 (THO complex subunit 2; minus strand). Cytogenetic location: Xq25.
Variant type: Duplication.
Coding change: c.1414_1416dup on transcript NM_001081550.2 (MANE Select); coding-DNA positions 1414 to 1416, 3 bases duplicated (GAT; older notation c.1414_1416dupGAT).
Protein change: p.Asp472_Lys473insAsp.
Molecular consequence: inframe insertion.
Genome position (GRCh38, 1-based): chrX:123,645,346-123,645,348, ATC duplicated on the plus strand (GAT on the coding strand, the reverse complement: THOC2 is on the minus strand). VCF-style (leftmost placement, unchanged base first): chrX-123645345-T-TATC. GRCh37 (hg19) VCF-style: chrX-122779196-T-TATC.
Identifiers: ClinVar variation 3381322 (VCV003381322.1).

ClinVar aggregate classification (germline): Uncertain significance (1 of 4 stars; one submission).

Submission:

GeneDx
Classification: Uncertain significance. Last evaluated: 2024-05-23. Review status: criteria provided, single submitter. Criteria: GeneDx Variant Classification Process June 2021. Collection method: clinical testing. Allele origin: germline. Affected: yes.
Comment: In-frame insertion of one amino acid in a non-repeat region; Not observed at significant frequency in large population cohorts (gnomAD); Has not been previously published as pathogenic or benign to our knowledge